The following is an entry in ClinVar:

NM_001009994.3(RIPPLY2):c.352G>A (p.Glu118Lys)

Genes: RIPPLY2 (ripply transcriptional repressor 2; plus strand), RIPPLY2-CYB5R4 (RIPPLY2-CYB5R4 readthrough; plus strand). Cytogenetic location: 6q14.2.
Variant type: single nucleotide variant.
Coding change: c.352G>A on transcript NM_001009994.3 (MANE Select); coding-DNA position 352, G replaced by A.
Protein change: p.Glu118Lys; replaces glutamic acid 118 with lysine.
Molecular consequence: missense variant. On other transcripts: non-coding transcript variant (1).
Genome position (GRCh38, 1-based): chr6:83,857,354, G>A. VCF-style: chr6-83857354-G-A. GRCh37 (hg19) VCF-style: chr6-84567073-G-A.
Other names: c.352G>A (NM_001009994.1); short protein forms E118K.
Identifiers: ClinVar variation 1019982 (VCV001019982.10), dbSNP rs200835560, ClinGen allele CA3908920.

ClinVar aggregate classification (germline): Uncertain significance. Review status: criteria provided, multiple submitters, no conflicts (2 of 4 stars). 2 submissions from 2 submitters: Uncertain significance (2). Last evaluated 2025-08-09.

Allele frequency attached by ClinVar (database versions not stated): ESP Exome Variant Server 0.00008; gnomAD 0.00012; TOPMed 0.00012; ExAC 0.00014; gnomAD exomes 0.00015 and 0.00027.
gnomAD v4.1: 397 of 1,584,214 alleles (0.025%); highest among the groups gnomAD compares: East Asian, 0.042%; no homozygotes.

Submissions (2):

Ambry Genetics
Classification: Uncertain significance. Last evaluated: 2025-08-09. Review status: criteria provided, single submitter. Criteria: Ambry Variant Classification Scheme 2023. Collection method: clinical testing. Allele origin: germline.

Labcorp Genetics (formerly Invitae), Labcorp
Classification: Uncertain significance. Last evaluated: 2024-09-26. Review status: criteria provided, single submitter. Criteria: Invitae Variant Classification Sherloc (09022015). Collection method: clinical testing. Allele origin: germline.
Comment: This sequence change replaces glutamic acid, which is acidic and polar, with lysine, which is basic and polar, at codon 118 of the RIPPLY2 protein (p.Glu118Lys). This variant is present in population databases (rs200835560, gnomAD 0.03%). This variant has not been reported in the literature in individuals affected with RIPPLY2-related conditions. ClinVar contains an entry for this variant (Variation ID: 1019982). An algorithm developed to predict the effect of missense changes on protein structure and function (PolyPhen-2) suggests that this variant is likely to be disruptive. Algorithms developed to predict the effect of sequence changes on RNA splicing suggest that this variant may disrupt the consensus splice site. In summary, the available evidence is currently insufficient to determine the role of this variant in disease. Therefore, it has been classified as a Variant of Uncertain Significance.